The following is an entry in ClinVar:

NM_018417.6(ADCY10):c.3593+6G>A

Gene: ADCY10 (adenylate cyclase 10; minus strand). Cytogenetic location: 1q24.2.
Variant type: single nucleotide variant.
Coding change: c.3593+6G>A on transcript NM_018417.6 (MANE Select); 6 bases into the intron after coding-DNA position 3593, G replaced by A.
Molecular consequence: intron variant.
Genome position (GRCh38, 1-based): chr1:167,832,981, C>T on the plus strand (G>A on the coding strand, the complement: ADCY10 is on the minus strand). VCF-style: chr1-167832981-C-T. GRCh37 (hg19) VCF-style: chr1-167802219-C-T.
Other names: c.3134+6G>A (NM_001167749.3); c.3317+6G>A (NM_001297772.2).
Identifiers: ClinVar variation 3709753 (VCV003709753.2).
Genomic context (GRCh38, chr1:167,832,981, plus strand): 5'-GATTATGTGTAGGCCTCTCTGGGGAGTGAGACTAAACAGTCTGCTCTCCCCAGCTCCTTC[C>T]CTTACCCTGGAGGTGGGCTCTCTTGGGCCTGCCGATTCACATAATGAAAGTGTCTGTTTT-3'

ClinVar aggregate classification (germline): Uncertain significance (1 of 4 stars; one submission).

gnomAD v4.1: 25 of 1,613,328 alleles (0.0015%); highest among the groups gnomAD compares: Admixed American, 0.022%; no homozygotes.

Submission:

Labcorp Genetics (formerly Invitae), Labcorp
Classification: Uncertain significance. Last evaluated: 2025-12-30. Review status: criteria provided, single submitter. Criteria: Invitae Variant Classification Sherloc (09022015). Collection method: clinical testing. Allele origin: germline.
Comment: This sequence change falls in intron 25 of the ADCY10 gene. It does not directly change the encoded amino acid sequence of the ADCY10 protein. It affects a nucleotide within the consensus splice site. This variant is present in population databases (rs373505519, gnomAD 0.01%). This variant has not been reported in the literature in individuals affected with ADCY10-related conditions. ClinVar contains an entry for this variant (Variation ID: 3709753). Variants that disrupt the consensus splice site are a relatively common cause of aberrant splicing (PMID: 17576681, 9536098). Algorithms developed to predict the effect of sequence changes on RNA splicing suggest that this variant is not likely to affect RNA splicing. In summary, the available evidence is currently insufficient to determine the role of this variant in disease. Therefore, it has been classified as a Variant of Uncertain Significance.

Literature cited by the submitters: PubMed 17576681; PubMed 9536098.